The following is an entry in ClinVar:

ClinVar aggregate classification (germline): Likely benign (1 of 4 stars; one submission).

Conditions:
Breast-ovarian cancer, familial, susceptibility to, 2 (BROVCA2). Also called: BRCA2 Hereditary Breast and Ovarian Cancer. Identifiers: Orphanet 145, MedGen C2675520, MONDO:0012933, OMIM 612555. Disease mechanism: loss of function.

gnomAD v4.1: 1 of 1,614,050 alleles (0.000062%); highest among the groups gnomAD compares: South Asian, 0.0011%; no homozygotes.

Submission:

Cancer Bioinformatics and Tumour Evolution Laboratory, Monash University
Classification: Likely benign for Breast-ovarian cancer, familial, susceptibility to, 2. Last evaluated: 2026-05-01. Review status: criteria provided, single submitter. Criteria: ClinGen BRCA1 and BRCA2 Guidelines, 2024. Collection method: curation. Allele origin: germline. Inheritance: Autosomal dominant inheritance.
Comment: Missense variant outside of a functional domain with no splice impact. BRCA1 and BRCA2 VCEP guidelines recommend application of BP1_Strong (PMID: 39142283)

NM_000059.4(BRCA2):c.3485C>G (p.Ala1162Gly)

Gene: BRCA2 (BRCA2 DNA repair associated; plus strand). Cytogenetic location: 13q13.1.
Variant type: single nucleotide variant.
Coding change: c.3485C>G on transcript NM_000059.4 (MANE Select); coding-DNA position 3485, C replaced by G.
Protein change: p.Ala1162Gly; replaces alanine 1162 with glycine.
Molecular consequence: missense variant. On other transcripts: non-coding transcript variant (1), intron variant (2).
Genome position (GRCh38, 1-based): chr13:32,337,840, C>G. VCF-style: chr13-32337840-C-G. GRCh37 (hg19) VCF-style: chr13-32911977-C-G.
Other names: c.3485C>G, p.Ala1162Gly (NM_001406719.1, NM_001406720.1, NM_001432077.1); c.1909+4453C>G (NM_001406721.1); c.425-6718C>G (NM_001406722.1); short protein forms A1162G.
Identifiers: ClinVar variation 4856467 (VCV004856467.1).